The following is an entry in ClinVar:

GRCh37/hg19 17q12(chr17:34310998-36297053)x3

Genes: AATF (apoptosis antagonizing transcription factor; plus strand), ACACA (acetyl-CoA carboxylase alpha; minus strand), C17orf78 (chromosome 17 open reading frame 78; plus strand), CCL14 (C-C motif chemokine ligand 14; minus strand), CCL15 (C-C motif chemokine ligand 15; minus strand) and 45 more. Cytogenetic location: 17q12.
Variant type: copy number gain.
Change: copy number 3 (three copies instead of two) of chr17:34,310,998-36,297,053 (1.99 Mb, GRCh37 coordinates, 1-based), cytogenetic band 17q12.
Identifiers: ClinVar variation 58166 (VCV000058166.2).

ClinVar aggregate classification (germline): Pathogenic (1 of 4 stars; one submission).

Submission:

ISCA Site 6
Classification: Pathogenic. Last evaluated: 2011-08-12. Review status: criteria provided, single submitter. Criteria: Kaminsky et al. (Genet Med. 2011). Collection method: clinical testing. Allele origin: unknown. Affected: yes. Observed: 2 variant alleles.
Comment: Copy number variation identified through the course of routine clinical cytogenomic testing in postnatal populations. Clinical assertions have been curated as described in Kaminsky et al. 2011.